The following is an entry in ClinVar:

ClinVar aggregate classification (germline): Likely benign. Review status: criteria provided, multiple submitters, no conflicts (2 of 4 stars). 2 submissions from 2 submitters: Likely benign (2). Last evaluated 2025-03-20.

Conditions:
GNB4-related disorder. Also called: GNB4-related condition.
Charcot-Marie-Tooth disease dominant intermediate F. Identifiers: Orphanet 352670, MedGen C4749463, MONDO:0014074, OMIM 615185.

Allele frequency attached by ClinVar (database versions not stated): gnomAD exomes below 0.00001; ExAC 0.00001; TOPMed 0.00001; gnomAD 0.00003.
gnomAD v4.1: 6 of 1,613,964 alleles (0.00037%); highest among the groups gnomAD compares: African/African-American, 0.0013%; no homozygotes.

Submissions (2):

PreventionGenetics, part of Exact Sciences
Classification: Likely benign for GNB4-related condition. Last evaluated: 2025-03-20. Review status: criteria provided, single submitter. Criteria: ACMG Guidelines, 2015. Collection method: clinical testing. Allele origin: germline.
Comment: This variant is classified as likely benign based on ACMG/AMP sequence variant interpretation guidelines (Richards et al. 2015 PMID: 25741868, with internal and published modifications).

Labcorp Genetics (formerly Invitae), Labcorp
Classification: Likely benign for Charcot-Marie-Tooth disease dominant intermediate F. Last evaluated: 2023-07-21. Review status: criteria provided, single submitter. Criteria: Invitae Variant Classification Sherloc (09022015). Collection method: clinical testing. Allele origin: germline.

NM_021629.4(GNB4):c.747T>G (p.Thr249=)

Gene: GNB4 (G protein subunit beta 4; minus strand). Cytogenetic location: 3q26.33.
Variant type: single nucleotide variant.
Coding change: c.747T>G on transcript NM_021629.4 (MANE Select); coding-DNA position 747, T replaced by G.
Protein change: p.Thr249=; no amino-acid change (threonine 249 retained).
Molecular consequence: synonymous variant.
Genome position (GRCh38, 1-based): chr3:179,405,359, A>C on the plus strand (T>G on the coding strand, the complement: GNB4 is on the minus strand). VCF-style: chr3-179405359-A-C. GRCh37 (hg19) VCF-style: chr3-179123147-A-C.
Identifiers: ClinVar variation 698323 (VCV000698323.11), dbSNP rs774571998, ClinGen allele CA2712421.